The following is an entry in ClinVar:

NM_173728.4(ARHGEF15):c.1759G>T (p.Ala587Ser)

Gene: ARHGEF15 (Rho guanine nucleotide exchange factor 15; plus strand). Cytogenetic location: 17p13.1.
Variant type: single nucleotide variant.
Coding change: c.1759G>T on transcript NM_173728.4 (MANE Select); coding-DNA position 1759, G replaced by T.
Protein change: p.Ala587Ser; replaces alanine 587 with serine.
Molecular consequence: missense variant.
Genome position (GRCh38, 1-based): chr17:8,318,441, G>T. VCF-style: chr17-8318441-G-T. GRCh37 (hg19) VCF-style: chr17-8221759-G-T.
Other names: c.1759G>T, p.Ala587Ser (NM_025014.2); short protein forms A587S.
Identifiers: ClinVar variation 953185 (VCV000953185.10), dbSNP rs1905165012, ClinGen allele CA398022800.

ClinVar aggregate classification (germline): Uncertain significance (1 of 4 stars; one submission).

Conditions:
Early-infantile DEE. Also called: Early infantile epileptic encephalopathy; Ohtahara syndrome; Early infantile epileptic encephalopathy with suppression bursts. Identifiers: Orphanet 1934, MedGen C0393706, MONDO:0800491.

Submission:

Labcorp Genetics (formerly Invitae), Labcorp
Classification: Uncertain significance for Early-infantile DEE. Last evaluated: 2019-07-31. Review status: criteria provided, single submitter. Criteria: Invitae Variant Classification Sherloc (09022015). Collection method: clinical testing. Allele origin: germline.
Comment: In summary, the available evidence is currently insufficient to determine the role of this variant in disease. Therefore, it has been classified as a Variant of Uncertain Significance. Algorithms developed to predict the effect of missense changes on protein structure and function are either unavailable or do not agree on the potential impact of this missense change (SIFT: "Deleterious"; PolyPhen-2: "Probably Damaging"; Align-GVGD: "Class C0"). This variant has not been reported in the literature in individuals with ARHGEF15-related conditions. This variant is not present in population databases (ExAC no frequency). This sequence change replaces alanine with serine at codon 587 of the ARHGEF15 protein (p.Ala587Ser). The alanine residue is moderately conserved and there is a moderate physicochemical difference between alanine and serine.